The following is an entry in ClinVar:

ClinVar aggregate classification (germline): Uncertain significance (1 of 4 stars; one submission).

Conditions:
Pontocerebellar hypoplasia type 1A (PCH1A). Also called: PONTOCEREBELLAR HYPOPLASIA WITH ANTERIOR HORN CELL DISEASE; PONTOCEREBELLAR HYPOPLASIA WITH INFANTILE SPINAL MUSCULAR ATROPHY. Identifiers: Orphanet 2254, Orphanet 88616, MedGen C1843504, MONDO:0011866, OMIM 607596.

gnomAD v4.1: 1 of 1,614,076 alleles (0.000062%); highest among the groups gnomAD compares: Non-Finnish European, 0.000085%; no homozygotes.

Submission:

Labcorp Genetics (formerly Invitae), Labcorp
Classification: Uncertain significance for Pontocerebellar hypoplasia type 1A. Last evaluated: 2021-01-20. Review status: criteria provided, single submitter. Criteria: Invitae Variant Classification Sherloc (09022015). Collection method: clinical testing. Allele origin: germline.
Comment: This sequence change replaces glycine with aspartic acid at codon 223 of the VRK1 protein (p.Gly223Asp). The glycine residue is highly conserved and there is a moderate physicochemical difference between glycine and aspartic acid. This variant is not present in population databases (ExAC no frequency). This variant has not been reported in the literature in individuals with VRK1-related conditions. Algorithms developed to predict the effect of missense changes on protein structure and function (SIFT, PolyPhen-2, Align-GVGD) all suggest that this variant is likely to be disruptive, but these predictions have not been confirmed by published functional studies and their clinical significance is uncertain. In summary, the available evidence is currently insufficient to determine the role of this variant in disease. Therefore, it has been classified as a Variant of Uncertain Significance.

NM_003384.3(VRK1):c.668G>A (p.Gly223Asp)

Gene: VRK1 (VRK serine/threonine kinase 1; plus strand). Cytogenetic location: 14q32.2.
Variant type: single nucleotide variant.
Coding change: c.668G>A on transcript NM_003384.3 (MANE Select); coding-DNA position 668, G replaced by A.
Protein change: p.Gly223Asp; replaces glycine 223 with aspartic acid.
Molecular consequence: missense variant.
Genome position (GRCh38, 1-based): chr14:96,855,315, G>A. VCF-style: chr14-96855315-G-A. GRCh37 (hg19) VCF-style: chr14-97321652-G-A.
Other names: short protein forms G223D.
Identifiers: ClinVar variation 1460656 (VCV001460656.9), dbSNP rs1555361508, ClinGen allele CA390931239.